The following is an entry in ClinVar:

NM_014423.4(AFF4):c.3288T>C (p.Tyr1096=)

Gene: AFF4 (ALF transcription elongation factor 4; minus strand). Cytogenetic location: 5q31.1.
Variant type: single nucleotide variant.
Coding change: c.3288T>C on transcript NM_014423.4 (MANE Select); coding-DNA position 3288, T replaced by C.
Protein change: p.Tyr1096=; no amino-acid change (tyrosine 1096 retained).
Molecular consequence: synonymous variant.
Genome position (GRCh38, 1-based): chr5:132,883,416, A>G on the plus strand (T>C on the coding strand, the complement: AFF4 is on the minus strand). VCF-style: chr5-132883416-A-G. GRCh37 (hg19) VCF-style: chr5-132219108-A-G.
Identifiers: ClinVar variation 4983694 (VCV004983694.1).

ClinVar aggregate classification (germline): Likely benign (1 of 4 stars; one submission).

Conditions:
AFF4-related disorder. Also called: AFF4-related condition.

gnomAD v4.1: 1 of 1,614,132 alleles (0.000062%); highest among the groups gnomAD compares: Non-Finnish European, 0.000085%; no homozygotes.

Submission:

PreventionGenetics, part of Exact Sciences
Classification: Likely benign for AFF4-related condition. Last evaluated: 2025-09-08. Review status: criteria provided, single submitter. Criteria: ACMG Guidelines, 2015. Collection method: clinical testing. Allele origin: germline.
Comment: This variant is classified as likely benign based on ACMG/AMP sequence variant interpretation guidelines (Richards et al. 2015 PMID: 25741868, with internal and published modifications).